The following is an entry in ClinVar:

ClinVar aggregate classification (germline): Uncertain significance. Review status: criteria provided, multiple submitters, no conflicts (2 of 4 stars). 3 submissions from 3 submitters: Uncertain significance (3). Last evaluated 2025-08-10.

Allele frequency attached by ClinVar (database versions not stated): ExAC 0.00008; TOPMed 0.00009.

Submissions (3):

Ambry Genetics
Classification: Uncertain significance. Last evaluated: 2025-08-10. Review status: criteria provided, single submitter. Criteria: Ambry Variant Classification Scheme 2023. Collection method: clinical testing. Allele origin: germline.

Blueprint Genetics
Classification: Uncertain significance. Last evaluated: 2024-03-05. Review status: criteria provided, single submitter. Criteria: ACMG Guidelines, 2015. Collection method: clinical testing. Allele origin: germline.

Labcorp Genetics (formerly Invitae), Labcorp
Classification: Uncertain significance. Last evaluated: 2022-07-20. Review status: criteria provided, single submitter. Criteria: Invitae Variant Classification Sherloc (09022015). Collection method: clinical testing. Allele origin: germline.
Comment: This sequence change replaces arginine, which is basic and polar, with tryptophan, which is neutral and slightly polar, at codon 41 of the SAMD11 protein (p.Arg41Trp). This variant is present in population databases (rs767794127, gnomAD 0.02%). This variant has not been reported in the literature in individuals affected with SAMD11-related conditions. ClinVar contains an entry for this variant (Variation ID: 972363). Algorithms developed to predict the effect of missense changes on protein structure and function are either unavailable or do not agree on the potential impact of this missense change (SIFT: "Deleterious"; PolyPhen-2: "Possibly Damaging"; Align-GVGD: "Class C0"). In summary, the available evidence is currently insufficient to determine the role of this variant in disease. Therefore, it has been classified as a Variant of Uncertain Significance.

NM_001385641.1(SAMD11):c.658C>T (p.Arg220Trp)

Gene: SAMD11 (sterile alpha motif domain containing 11; plus strand). Cytogenetic location: 1p36.33.
Variant type: single nucleotide variant.
Coding change: c.658C>T on transcript NM_001385641.1 (MANE Select); coding-DNA position 658, C replaced by T.
Protein change: p.Arg220Trp; replaces arginine 220 with tryptophan.
Molecular consequence: missense variant.
Genome position (GRCh38, 1-based): chr1:930,203, C>T. VCF-style: chr1-930203-C-T. GRCh37 (hg19) VCF-style: chr1-865583-C-T.
Other names: c.658C>T, p.Arg220Trp (NM_001385640.1); c.121C>T, p.Arg41Trp (NM_152486.4); short protein forms R41W, R220W.
Identifiers: ClinVar variation 972363 (VCV000972363.9), dbSNP rs767794127, ClinGen allele CA502428.